The following is an entry in ClinVar:

ClinVar aggregate classification (germline): Benign/Likely benign. Review status: criteria provided, multiple submitters, no conflicts (2 of 4 stars). 9 submissions from 9 submitters: Benign (1); Likely benign (6). 2 of the submissions do not count toward it. Last evaluated 2026-02-01.

Allele frequency attached by ClinVar (database versions not stated): ExAC 0.00007; gnomAD exomes 0.00010 and 0.00011; 1000 Genomes Project 30x 0.00016; 1000 Genomes Project 0.00020; gnomAD 0.00023; TOPMed 0.00026.
gnomAD v4.1: 200 of 1,614,070 alleles (0.012%); highest among the groups gnomAD compares: Middle Eastern, 0.82%; 1 homozygote.

Submissions (9):

Labcorp Genetics (formerly Invitae), Labcorp
Classification: Likely benign. Last evaluated: 2026-02-01. Review status: criteria provided, single submitter. Criteria: Invitae Variant Classification Sherloc (09022015). Collection method: clinical testing. Allele origin: germline.

Blueprint Genetics
Classification: Likely benign. Last evaluated: 2024-08-06. Review status: criteria provided, single submitter. Criteria: ACMG Guidelines, 2015. Collection method: clinical testing. Allele origin: germline.

Ambry Genetics
Classification: Likely benign. Last evaluated: 2023-12-06. Review status: criteria provided, single submitter. Criteria: Ambry Variant Classification Scheme 2023. Collection method: clinical testing. Allele origin: germline.

Women's Health and Genetics/Laboratory Corporation of America, LabCorp
Classification: Benign. Last evaluated: 2022-01-02. Review status: criteria provided, single submitter. Criteria: LabCorp Variant Classification Summary - May 2015. Collection method: clinical testing. Allele origin: germline.

GeneDx
Classification: Likely benign. Last evaluated: 2018-06-04. Review status: criteria provided, single submitter. Criteria: GeneDx Variant Classification (06012015). Collection method: clinical testing. Allele origin: germline. Affected: yes.
Comment: This variant is considered likely benign or benign based on one or more of the following criteria: it is a conservative change, it occurs at a poorly conserved position in the protein, it is predicted to be benign by multiple in silico algorithms, and/or has population frequency not consistent with disease.

CeGaT Center for Human Genetics Tuebingen
Classification: Likely benign. Last evaluated: 2018-02-01. Review status: criteria provided, single submitter. Criteria: CeGaT Center For Human Genetics Tuebingen Variant Classification Criteria Version 2. Collection method: clinical testing. Allele origin: germline. Affected: yes. Observed: 1 variant allele.

Breakthrough Genomics
Classification: Likely benign. Review status: criteria provided, single submitter. Criteria: ACMG Guidelines, 2015. Collection method: not provided. Allele origin: germline. Inheritance: Autosomal dominant inheritance. Affected: yes.

Clinical Genetics DNA and cytogenetics Diagnostics Lab, Erasmus MC, Erasmus Medical Center
Classification: Likely benign. Review status: no assertion criteria provided. Collection method: clinical testing. Allele origin: germline. Affected: yes. Study: VKGL Data-share Consensus. Not counted in ClinVar's aggregate classification.

Diagnostic Laboratory, Department of Genetics, University Medical Center Groningen
Classification: Likely benign. Review status: no assertion criteria provided. Collection method: clinical testing. Allele origin: germline. Affected: yes. Study: VKGL Data-share Consensus. Not counted in ClinVar's aggregate classification.

NM_144670.6(A2ML1):c.1477T>C (p.Leu493=)

Gene: A2ML1 (alpha-2-macroglobulin like 1; plus strand). Cytogenetic location: 12p13.31.
Variant type: single nucleotide variant.
Coding change: c.1477T>C on transcript NM_144670.6 (MANE Select); coding-DNA position 1477, T replaced by C.
Protein change: p.Leu493=; no amino-acid change (leucine 493 retained).
Molecular consequence: synonymous variant.
Genome position (GRCh38, 1-based): chr12:8,845,442, T>C. VCF-style: chr12-8845442-T-C. GRCh37 (hg19) VCF-style: chr12-8998038-T-C.
Other names: c.4T>C, p.Leu2= (NM_001282424.3).
Identifiers: ClinVar variation 413820 (VCV000413820.58), dbSNP rs200088686, ClinGen allele CA6435710.